The following is an entry in ClinVar:

ClinVar aggregate classification (germline): Uncertain significance. Review status: criteria provided, single submitter (1 of 4 stars). 2 submissions from 2 submitters: Uncertain significance (1). 1 of the submissions does not count toward it. Last evaluated 2025-12-22.

Conditions:
Short-rib thoracic dysplasia 6 with or without polydactyly (SRTD6). Also called: Majewski Syndrome; SHORT RIB-POLYDACTYLY SYNDROME, TYPE IIA; SHORT-RIB THORACIC DYSPLASIA 6 WITH POLYDACTYLY; SHORT-RIB THORACIC DYSPLASIA 6 WITHOUT POLYDACTYLY; POLYDACTYLY WITH NEONATAL CHONDRODYSTROPHY, TYPE II. Identifiers: MedGen C0024507, MONDO:0009894, OMIM 263520.
NEK1-related disorder. Also called: NEK1-related condition.

gnomAD v4.1: 1 of 1,591,054 alleles (0.000063%); highest among the groups gnomAD compares: Non-Finnish European, 0.000086%; no homozygotes.

Submissions (2):

Labcorp Genetics (formerly Invitae), Labcorp
Classification: Uncertain significance for Short-rib thoracic dysplasia 6 with or without polydactyly. Last evaluated: 2025-12-22. Review status: criteria provided, single submitter. Criteria: Invitae Variant Classification Sherloc (09022015). Collection method: clinical testing. Allele origin: germline.
Comment: This sequence change replaces isoleucine, which is neutral and non-polar, with threonine, which is neutral and polar, at codon 1097 of the NEK1 protein (p.Ile1097Thr). This variant is not present in population databases (gnomAD no frequency). This variant has not been reported in the literature in individuals affected with NEK1-related conditions. ClinVar contains an entry for this variant (Variation ID: 3353916). An algorithm developed to predict the effect of missense changes on protein structure and function outputs the following: PolyPhen-2: "Benign". The threonine amino acid residue is found in multiple mammalian species, which suggests that this missense change does not adversely affect protein function. In summary, the available evidence is currently insufficient to determine the role of this variant in disease. Therefore, it has been classified as a Variant of Uncertain Significance.

PreventionGenetics, part of Exact Sciences
Classification: Uncertain significance for NEK1-related condition. Last evaluated: 2024-05-23. Review status: no assertion criteria provided. Collection method: clinical testing. Allele origin: germline. Not counted in ClinVar's aggregate classification.
Comment: The NEK1 c.3290T>C variant is predicted to result in the amino acid substitution p.Ile1097Thr. To our knowledge, this variant has not been reported in the literature or in a large population database, indicating this variant is rare. At this time, the clinical significance of this variant is uncertain due to the absence of conclusive functional and genetic evidence.

NM_001199397.3(NEK1):c.3374T>C (p.Ile1125Thr)

Gene: NEK1 (NIMA related kinase 1; minus strand). Cytogenetic location: 4q33.
Variant type: single nucleotide variant.
Coding change: c.3374T>C on transcript NM_001199397.3 (MANE Select); coding-DNA position 3374, T replaced by C.
Protein change: p.Ile1125Thr; replaces isoleucine 1125 with threonine.
Molecular consequence: missense variant. On other transcripts: non-coding transcript variant (1).
Genome position (GRCh38, 1-based): chr4:169,406,596, A>G on the plus strand (T>C on the coding strand, the complement: NEK1 is on the minus strand). VCF-style: chr4-169406596-A-G. GRCh37 (hg19) VCF-style: chr4-170327747-A-G.
Other names: c.3242T>C, p.Ile1081Thr (NM_001199398.3); c.3083T>C, p.Ile1028Thr (NM_001199399.3); c.3158T>C, p.Ile1053Thr (NM_001199400.3); c.3374T>C, p.Ile1125Thr (NM_001374418.1); c.3290T>C, p.Ile1097Thr (NM_001374419.1, NM_012224.4); c.3239T>C, p.Ile1080Thr (NM_001374420.1); c.2891T>C, p.Ile964Thr (NM_001374421.1); short protein forms I1028T, I1053T, I1080T, I1081T, I1097T, I1125T, I964T.
Identifiers: ClinVar variation 3353916 (VCV003353916.2).
Genomic context (GRCh38, chr4:169,406,596, plus strand): 5'-TTTTTTACATATAAATTCAGAAAATCTTTTAATGCTGTTTACTAATGACATTATACTTAC[A>G]TGTCTTCAGAATCAGAAGGTCCTTCTTTAATGTTTTCATCTTCAATTTCATCTATTTCAA-3'
Protein context (NP_001186326.1, residues 1115-1135): IKEGPSDSED[Ile1125Thr]VFEETDTDLQ